The following is an entry in ClinVar:

NM_001243177.4(ALDOA):c.274+4C>T

Genes: ALDOA (aldolase, fructose-bisphosphate A; plus strand), LOC112694756 (uncharaterized LOC112694756; plus strand). Cytogenetic location: 16p11.2.
Variant type: single nucleotide variant.
Coding change: c.274+4C>T on transcript NM_001243177.4 (MANE Select); 4 bases into the intron after coding-DNA position 274, C replaced by T.
Molecular consequence: intron variant.
Genome position (GRCh38, 1-based): chr16:30,067,370, C>T. VCF-style: chr16-30067370-C-T. GRCh37 (hg19) VCF-style: chr16-30078691-C-T.
Other names: NM_000034.3:c.112+4C>T; c.*621+4C>T (NM_001365307.2, NM_001365305.2, NM_001365304.2); c.112+4C>T (NM_184043.2, NM_001127617.2, NM_184041.5).
Identifiers: ClinVar variation 503727 (VCV000503727.27), dbSNP rs200278984, ClinGen allele CA8000863.

ClinVar aggregate classification (germline): Conflicting classifications of pathogenicity. Review status: criteria provided, conflicting classifications (1 of 4 stars). 4 submissions from 4 submitters: Uncertain significance (1); Likely benign (2). 1 of the submissions does not count toward it. Last evaluated 2026-01-27.

Conditions:
ALDOA-related disorder. Also called: ALDOA-related condition.
HNSHA due to aldolase A deficiency (GSD12). Also called: GLYCOGEN STORAGE DISEASE XII; GSD XII; Glycogen storage disease due to aldolase A deficiency; RED CELL ALDOLASE DEFICIENCY. Identifiers: Orphanet 57, MedGen C0272066, MONDO:0012747, OMIM 611881.

Allele frequency attached by ClinVar (database versions not stated): 1000 Genomes Project 0.00060; 1000 Genomes Project 30x 0.00062; gnomAD 0.00204; ESP Exome Variant Server 0.00254.
gnomAD v4.1: 636 of 1,613,998 alleles (0.039%); highest among the groups gnomAD compares: African/African-American, 0.61%; 1 homozygote.

Submissions (4):

Labcorp Genetics (formerly Invitae), Labcorp
Classification: Likely benign for HNSHA due to aldolase A deficiency. Last evaluated: 2026-01-27. Review status: criteria provided, single submitter. Criteria: Invitae Variant Classification Sherloc (09022015). Collection method: clinical testing. Allele origin: germline.

ARUP Laboratories, Molecular Genetics and Genomics, ARUP Laboratories
Classification: Uncertain significance for HNSHA due to aldolase A deficiency. Last evaluated: 2024-05-30. Review status: criteria provided, single submitter. Criteria: ARUP Molecular Germline Variant Investigation Process 2024. Collection method: clinical testing. Allele origin: germline.

GeneDx
Classification: Likely benign. Last evaluated: 2019-11-19. Review status: criteria provided, single submitter. Criteria: GeneDx Variant Classification Process June 2021. Collection method: clinical testing. Allele origin: germline. Affected: yes.
Comment: Has not been previously published as pathogenic or benign to our knowledge

PreventionGenetics, part of Exact Sciences
Classification: Likely benign for ALDOA-related condition. Last evaluated: 2022-12-22. Review status: no assertion criteria provided. Collection method: clinical testing. Allele origin: germline. Not counted in ClinVar's aggregate classification.
Comment: This variant is classified as likely benign based on ACMG/AMP sequence variant interpretation guidelines (Richards et al. 2015 PMID: 25741868, with internal and published modifications).